The following is an entry in ClinVar:

NM_206933.4(USH2A):c.3699del (p.Ile1234fs)

Genes: USH2A (usherin; minus strand), USH2A-AS1 (USH2A antisense RNA 1; plus strand). Cytogenetic location: 1q41.
Variant type: Deletion.
Coding change: c.3699del on transcript NM_206933.4 (MANE Select); coding-DNA position 3699, one base deleted (C; older notation c.3699delC).
Protein change: p.Ile1234fs; shifts the reading frame from isoleucine 1234.
Molecular consequence: frameshift variant.
Genome position (GRCh38, 1-based): chr1:216,199,739, G deleted on the plus strand (C on the coding strand, the reverse complement: USH2A is on the minus strand); the first of 3 consecutive G bases (chr1:216,199,739-216,199,741); deleting any one gives the same sequence. VCF-style (leftmost placement, unchanged base first): chr1-216199738-TG-T. GRCh37 (hg19) VCF-style: chr1-216373080-TG-T.
Other names: c.3699del, p.Ile1234fs (NM_007123.6); short protein forms I1234fs.
Identifiers: ClinVar variation 1399636 (VCV001399636.7), dbSNP rs2034938612, ClinGen allele CA2573132011.

ClinVar aggregate classification (germline): Pathogenic/Likely pathogenic. Review status: criteria provided, multiple submitters, no conflicts (2 of 4 stars). 2 submissions from 2 submitters: Pathogenic (1); Likely pathogenic (1). Last evaluated 2021-01-29.

Conditions:
USH2A-related disorder. Also called: USH2A-related condition; USH2A-related disorders. Identifiers: MedGen CN239332.

Submissions (2):

Labcorp Genetics (formerly Invitae), Labcorp
Classification: Pathogenic. Last evaluated: 2021-01-29. Review status: criteria provided, single submitter. Criteria: Invitae Variant Classification Sherloc (09022015). Collection method: clinical testing. Allele origin: germline.
Comment: For these reasons, this variant has been classified as Pathogenic. This variant has not been reported in the literature in individuals with USH2A-related conditions. This variant is not present in population databases (ExAC no frequency). This sequence change creates a premature translational stop signal (p.Ile1234Leufs*3) in the USH2A gene. It is expected to result in an absent or disrupted protein product. Loss-of-function variants in USH2A are known to be pathogenic (PMID: 10729113, 10909849, 20507924, 25649381).

Blueprint Genetics
Classification: Likely pathogenic for USH2A-related disorders. Last evaluated: 2017-07-21. Review status: criteria provided, single submitter. Criteria: ACMG Guidelines, 2015. Collection method: clinical testing. Allele origin: germline. Affected: yes. Observed: 1 variant allele.

Literature cited by the submitters: PubMed 10729113 (cited by Labcorp Genetics (formerly Invitae), Labcorp); PubMed 10909849 (cited by Labcorp Genetics (formerly Invitae), Labcorp); PubMed 20507924 (cited by Labcorp Genetics (formerly Invitae), Labcorp); PubMed 25649381 (cited by Labcorp Genetics (formerly Invitae), Labcorp).